The following is an entry in ClinVar:

NM_001164508.2(NEB):c.22003_22004del (p.Thr7335fs)

Genes: NEB (nebulin; minus strand), RIF1 (replication timing regulatory factor 1; plus strand). Cytogenetic location: 2q23.3.
Variant type: Microsatellite.
Coding change: c.22003_22004del on transcript NM_001164508.2 (MANE Select); coding-DNA positions 22003 to 22004, 2 bases deleted (AC; older notation c.22003_22004delAC).
Protein change: p.Thr7335fs; shifts the reading frame from threonine 7335.
Molecular consequence: frameshift variant.
Genome position (GRCh38, 1-based): chr2:151,526,204-151,526,205, GT deleted on the plus strand (AC on the coding strand, the reverse complement: NEB is on the minus strand); deleting any 2 consecutive bases within chr2:151,526,204-151,526,207 gives the same sequence; the c. name uses the placement nearest the transcript's 3' end. VCF-style (leftmost placement, unchanged base first): chr2-151526203-CGT-C. GRCh37 (hg19) VCF-style: chr2-152382717-CGT-C.
Other names: c.22003_22004del, p.Thr7335fs (NM_001164507.2); c.22108_22109del, p.Thr7370fs (NM_001271208.2); c.16900_16901del, p.Thr5634fs (NM_004543.5); short protein forms T5634fs, T7335fs, T7370fs.
Identifiers: ClinVar variation 5015892 (VCV005015892.1).

ClinVar aggregate classification (germline): Pathogenic (1 of 4 stars; one submission).

Conditions:
Nemaline myopathy 2 (NEM2). Also called: Nemaline myopathy 2, autosomal recessive. Identifiers: MedGen C1850569, MONDO:0009725, OMIM 256030.

Submission:

Myriad Genetics, Inc.
Classification: Pathogenic for Nemaline myopathy 2. Last evaluated: 2026-05-07. Review status: criteria provided, single submitter. Criteria: Myriad Autosomal Dominant, Autosomal Recessive and X-Linked Classification Criteria (2023). Collection method: clinical testing. Allele origin: unknown.
Comment: NM_001271208.1(NEB):c.22108_22109delAC(T7370Afs*15) is expected to be pathogenic in the context of NEB-related nemaline myopathy. This variant is predicted to lead to an abnormal or absent protein product due to the creation of a premature termination codon in NEB, a gene where loss-of-function variants are known to be pathogenic. Please note: this variant was assessed in the context of healthy population screening.